The following is an entry in ClinVar:

ClinVar aggregate classification (germline): Benign/Likely benign. Review status: criteria provided, multiple submitters, no conflicts (2 of 4 stars). 2 submissions from 2 submitters: Benign (1); Likely benign (1). Last evaluated 2025-02-16.

Conditions:
Leigh syndrome (NULS). Also called: Leigh's necrotizing encephalopathy; Leigh's disease; Leigh Syndrome (mtDNA deletion); Leigh Disease; Subacute necrotizing encephalopathy; Necrotizing encephalopathy infantile subacute of Leigh. Identifiers: Orphanet 506, MedGen C2931891, MONDO:0009723, OMIM 256000.

Submissions (2):

Laboratory of Genetics, Children's Clinical University Hospital Latvia
Classification: Likely benign. Last evaluated: 2025-02-16. Review status: criteria provided, single submitter. Criteria: ACMG Guidelines, 2015. Collection method: clinical testing. Allele origin: germline. Affected: yes.

Wong Mito Lab, Molecular and Human Genetics, Baylor College of Medicine
Classification: Benign for Leigh syndrome. Last evaluated: 2019-10-17. Review status: criteria provided, single submitter. Criteria: Modified ACMG Guidelines (Unpublished). Collection method: clinical testing. Allele origin: germline.
Comment: The NC_012920.1:m.8584G>A (YP_003024031.1:p.Ala20Thr) variant in MTATP6 gene is interpretated to be a Benign variant based on the modified ACMG guidelines (unpublished). This variant meets the following evidence codes: BA1

NC_012920.1(MT-ATP6):m.8584G>A

Gene: MT-ATP6 (mitochondrially encoded ATP synthase 6; plus strand).
Variant type: single nucleotide variant.
Genome position: chrM-8584-G-A.
Identifiers: ClinVar variation 692913 (VCV000692913.2), dbSNP rs3135028, ClinGen allele CA337097932.
Genomic context (GRCh38, chrMT:8,584, plus strand): 5'-AAAATGAACGAAAATCTGTTCGCTTCATTCATTGCCCCCACAATCCTAGGCCTACCCGCC[G>A]CAGTACTGATCATTCTATTTCCCCCTCTATTGATCCCCACCTCCAAATATCTCATCAACA-3'